The following is an entry in ClinVar:

NM_003221.4(TFAP2B):c.167C>A (p.Pro56Gln)

Gene: TFAP2B (transcription factor AP-2 beta; plus strand). Cytogenetic location: 6p12.3.
Variant type: single nucleotide variant.
Coding change: c.167C>A on transcript NM_003221.4 (MANE Select); coding-DNA position 167, C replaced by A.
Protein change: p.Pro56Gln; replaces proline 56 with glutamine.
Molecular consequence: missense variant.
Genome position (GRCh38, 1-based): chr6:50,823,492, C>A. VCF-style: chr6-50823492-C-A. GRCh37 (hg19) VCF-style: chr6-50791205-C-A.
Other names: short protein forms P56Q.
Identifiers: ClinVar variation 2814355 (VCV002814355.3), dbSNP rs2533107640, ClinGen allele CA364411940.

ClinVar aggregate classification (germline): Uncertain significance (1 of 4 stars; one submission).

Allele frequency attached by ClinVar (database versions not stated): gnomAD exomes below 0.00001.
gnomAD v4.1: 2 of 1,613,440 alleles (0.00012%); highest among the groups gnomAD compares: South Asian, 0.0022%; no homozygotes.

Submission:

Labcorp Genetics (formerly Invitae), Labcorp
Classification: Uncertain significance. Last evaluated: 2023-03-10. Review status: criteria provided, single submitter. Criteria: Invitae Variant Classification Sherloc (09022015). Collection method: clinical testing. Allele origin: germline.
Comment: In summary, the available evidence is currently insufficient to determine the role of this variant in disease. Therefore, it has been classified as a Variant of Uncertain Significance. Advanced modeling of protein sequence and biophysical properties (such as structural, functional, and spatial information, amino acid conservation, physicochemical variation, residue mobility, and thermodynamic stability) performed at Invitae indicates that this missense variant is not expected to disrupt TFAP2B protein function. This variant has not been reported in the literature in individuals affected with TFAP2B-related conditions. This variant is not present in population databases (gnomAD no frequency). This sequence change replaces proline, which is neutral and non-polar, with glutamine, which is neutral and polar, at codon 56 of the TFAP2B protein (p.Pro56Gln).